The following is an entry in ClinVar:

NM_133259.4(LRPPRC):c.2504+245T>A

Gene: LRPPRC (leucine rich pentatricopeptide repeat containing; minus strand). Cytogenetic location: 2p21.
Variant type: single nucleotide variant.
Coding change: c.2504+245T>A on transcript NM_133259.4 (MANE Select); 245 bases into the intron after coding-DNA position 2504, T replaced by A.
Molecular consequence: intron variant.
Genome position (GRCh38, 1-based): chr2:43,943,442, A>T on the plus strand (T>A on the coding strand, the complement: LRPPRC is on the minus strand). VCF-style: chr2-43943442-A-T. GRCh37 (hg19) VCF-style: chr2-44170581-A-T.
Identifiers: ClinVar variation 684315 (VCV000684315.1), dbSNP rs4263155, ClinGen allele CA15185137.

ClinVar aggregate classification (germline): Benign (1 of 4 stars; one submission).

Allele frequency attached by ClinVar (database versions not stated): 1000 Genomes Project 0.15994; 1000 Genomes Project 30x 0.16443; gnomAD 0.20587 and 0.21708; TOPMed 0.21647.
gnomAD v4.1: 31,316 of 151,808 alleles (21%); highest among the groups gnomAD compares: African/African-American, 35%; 4,006 homozygotes.

Submission:

GeneDx
Classification: Benign. Last evaluated: 2018-06-19. Review status: criteria provided, single submitter. Criteria: GeneDx Variant Classification (06012015). Collection method: clinical testing. Allele origin: germline. Affected: yes.
Comment: This variant is considered likely benign or benign based on one or more of the following criteria: it is a conservative change, it occurs at a poorly conserved position in the protein, it is predicted to be benign by multiple in silico algorithms, and/or has population frequency not consistent with disease.